The following is an entry in ClinVar:

ClinVar aggregate classification (germline): Uncertain significance (1 of 4 stars; one submission).

Conditions:
Chromosome 2q32-q33 deletion syndrome (GLASS). Also called: Glass syndrome; 2q33.1 deletion syndrome. Identifiers: Orphanet 251019, MedGen C2676739, MONDO:0012864, OMIM 612313.

Allele frequency attached by ClinVar (database versions not stated): TOPMed 0.00002.
gnomAD v4.1: 53 of 1,613,988 alleles (0.0033%); highest among the groups gnomAD compares: Non-Finnish European, 0.0045%; no homozygotes.

Submission:

Labcorp Genetics (formerly Invitae), Labcorp
Classification: Uncertain significance for Chromosome 2q32-q33 deletion syndrome. Last evaluated: 2023-09-18. Review status: criteria provided, single submitter. Criteria: Invitae Variant Classification Sherloc (09022015). Collection method: clinical testing. Allele origin: germline.
Comment: In summary, the available evidence is currently insufficient to determine the role of this variant in disease. Therefore, it has been classified as a Variant of Uncertain Significance. This sequence change replaces methionine, which is neutral and non-polar, with valine, which is neutral and non-polar, at codon 441 of the SATB2 protein (p.Met441Val). This variant is present in population databases (no rsID available, gnomAD 0.003%). This variant has not been reported in the literature in individuals affected with SATB2-related conditions. Advanced modeling of protein sequence and biophysical properties (such as structural, functional, and spatial information, amino acid conservation, physicochemical variation, residue mobility, and thermodynamic stability) performed at Invitae indicates that this missense variant is not expected to disrupt SATB2 protein function.

NM_001172509.2(SATB2):c.1321A>G (p.Met441Val)

Gene: SATB2 (SATB homeobox 2; minus strand). Cytogenetic location: 2q33.1.
Variant type: single nucleotide variant.
Coding change: c.1321A>G on transcript NM_001172509.2 (MANE Select); coding-DNA position 1321, A replaced by G.
Protein change: p.Met441Val; replaces methionine 441 with valine.
Molecular consequence: missense variant.
Genome position (GRCh38, 1-based): chr2:199,328,763, T>C on the plus strand (A>G on the coding strand, the complement: SATB2 is on the minus strand). VCF-style: chr2-199328763-T-C. GRCh37 (hg19) VCF-style: chr2-200193486-T-C.
Other names: c.1321A>G, p.Met441Val (NM_001172517.1, NM_015265.4); short protein forms M441V.
Identifiers: ClinVar variation 2894998 (VCV002894998.3), dbSNP rs926443498, ClinGen allele CA64249665.
Genomic context (GRCh38, chr2:199,328,763, plus strand): 5'-GGGTTCGGGAGGAGCTGGGACTGCTGGAGGCCGAGGAGACCATGCTCACATTGGGATTCA[T>C]GCTCCGCTCCCTCTCATCCTGGTAGATGCGATCTCGCTCCACTTCTGGCAGATTGAGGAA-3'
Protein context (NP_001165980.1, residues 431-451): RIYQDERERS[Met441Val]NPNVSMVSSA